The following is an entry in ClinVar:

NM_020297.4(ABCC9):c.531T>A (p.Asn177Lys)

Gene: ABCC9 (ATP binding cassette subfamily C member 9; minus strand). Cytogenetic location: 12p12.1.
Variant type: single nucleotide variant.
Coding change: c.531T>A on transcript NM_020297.4 (MANE Select); coding-DNA position 531, T replaced by A.
Protein change: p.Asn177Lys; replaces asparagine 177 with lysine.
Molecular consequence: missense variant. On other transcripts: intron variant (1).
Genome position (GRCh38, 1-based): chr12:21,916,979, A>T on the plus strand (T>A on the coding strand, the complement: ABCC9 is on the minus strand). VCF-style: chr12-21916979-A-T. GRCh37 (hg19) VCF-style: chr12-22069913-A-T.
Other names: c.531T>A, p.Asn177Lys (NM_001377273.1, NM_005691.4); c.-48-3913T>A (NM_001377274.1); short protein forms N177K.
Identifiers: ClinVar variation 2196200 (VCV002196200.5), dbSNP rs1360212861, ClinGen allele CA384125350.

ClinVar aggregate classification (germline): Uncertain significance. Review status: criteria provided, multiple submitters, no conflicts (2 of 4 stars). 2 submissions from 2 submitters: Uncertain significance (2). Last evaluated 2024-09-06.

Conditions:
Dilated cardiomyopathy 1O (CMD1O). Also called: CARDIOMYOPATHY, DILATED, WITH VENTRICULAR TACHYCARDIA. Identifiers: Orphanet 154, MedGen C1837839, MONDO:0012062, OMIM 608569.

Allele frequency attached by ClinVar (database versions not stated): TOPMed below 0.00001; gnomAD 0.00001.
gnomAD v4.1: 3 of 1,613,776 alleles (0.00019%); highest among the groups gnomAD compares: Non-Finnish European, 0.00025%; no homozygotes.

Submissions (2):

Labcorp Genetics (formerly Invitae), Labcorp
Classification: Uncertain significance for Dilated cardiomyopathy 1O. Last evaluated: 2024-09-06. Review status: criteria provided, single submitter. Criteria: Invitae Variant Classification Sherloc (09022015). Collection method: clinical testing. Allele origin: germline.
Comment: This sequence change replaces asparagine, which is neutral and polar, with lysine, which is basic and polar, at codon 177 of the ABCC9 protein (p.Asn177Lys). This variant is not present in population databases (gnomAD no frequency). This variant has not been reported in the literature in individuals affected with ABCC9-related conditions. ClinVar contains an entry for this variant (Variation ID: 2196200). Invitae Evidence Modeling of protein sequence and biophysical properties (such as structural, functional, and spatial information, amino acid conservation, physicochemical variation, residue mobility, and thermodynamic stability) indicates that this missense variant is not expected to disrupt ABCC9 protein function with a negative predictive value of 80%. In summary, the available evidence is currently insufficient to determine the role of this variant in disease. Therefore, it has been classified as a Variant of Uncertain Significance.

GeneDx
Classification: Uncertain significance. Last evaluated: 2024-02-05. Review status: criteria provided, single submitter. Criteria: GeneDx Variant Classification Process June 2021. Collection method: clinical testing. Allele origin: germline. Affected: yes.
Comment: Has not been previously published as pathogenic or benign to our knowledge; Not observed at significant frequency in large population cohorts (gnomAD); In silico analysis supports that this missense variant does not alter protein structure/function